The following is an entry in ClinVar:

ClinVar aggregate classification (germline): Uncertain significance (1 of 4 stars; one submission).

Submission:

Labcorp Genetics (formerly Invitae), Labcorp
Classification: Uncertain significance. Last evaluated: 2025-05-13. Review status: criteria provided, single submitter. Criteria: Invitae Variant Classification Sherloc (09022015). Collection method: clinical testing. Allele origin: germline.
Comment: This sequence change replaces valine, which is neutral and non-polar, with leucine, which is neutral and non-polar, at codon 27 of the CDC42BPB protein (p.Val27Leu). This variant is not present in population databases (gnomAD no frequency). This variant has not been reported in the literature in individuals affected with CDC42BPB-related conditions. An algorithm developed to predict the effect of missense changes on protein structure and function (PolyPhen-2) suggests that this variant is likely to be disruptive. In summary, the available evidence is currently insufficient to determine the role of this variant in disease. Therefore, it has been classified as a Variant of Uncertain Significance.

NM_006035.4(CDC42BPB):c.79G>C (p.Val27Leu)

Gene: CDC42BPB (CDC42 binding protein kinase beta; minus strand). Cytogenetic location: 14q32.32.
Variant type: single nucleotide variant.
Coding change: c.79G>C on transcript NM_006035.4 (MANE Select); coding-DNA position 79, G replaced by C.
Protein change: p.Val27Leu; replaces valine 27 with leucine.
Molecular consequence: missense variant.
Genome position (GRCh38, 1-based): chr14:103,057,095, C>G on the plus strand (G>C on the coding strand, the complement: CDC42BPB is on the minus strand). VCF-style: chr14-103057095-C-G. GRCh37 (hg19) VCF-style: chr14-103523432-C-G.
Other names: c.79G>C, p.Val27Leu (NM_001411054.1); short protein forms V27L.
Identifiers: ClinVar variation 4719545 (VCV004719545.1).